The following is an entry in ClinVar:

ClinVar aggregate classification (germline): Pathogenic (1 of 4 stars; one submission).

Submission:

Labcorp Genetics (formerly Invitae), Labcorp
Classification: Pathogenic. Last evaluated: 2024-02-19. Review status: criteria provided, single submitter. Criteria: Invitae Variant Classification Sherloc (09022015). Collection method: clinical testing. Allele origin: germline.
Comment: This sequence change creates a premature translational stop signal (p.Arg561Glufs*13) in the NFKB1 gene. It is expected to result in an absent or disrupted protein product. Loss-of-function variants in NFKB1 are known to be pathogenic (PMID: 26279205, 29477724). This variant is not present in population databases (gnomAD no frequency). This variant has not been reported in the literature in individuals affected with NFKB1-related conditions. For these reasons, this variant has been classified as Pathogenic.

Literature cited by the submitters: PubMed 26279205; PubMed 29477724.

NM_003998.4(NFKB1):c.1679dup (p.Arg561fs)

Genes: NFKB1 (nuclear factor kappa B subunit 1; plus strand), LOC126807127 (CDK7 strongly-dependent group 2 enhancer GRCh37_chr4:103521788-103522987; plus strand). Cytogenetic location: 4q24.
Variant type: Duplication.
Coding change: c.1679dup on transcript NM_003998.4 (MANE Select); coding-DNA position 1679, one base duplicated (T; older notation c.1679dupT).
Protein change: p.Arg561fs; shifts the reading frame from arginine 561.
Molecular consequence: frameshift variant.
Genome position (GRCh38, 1-based): chr4:102,600,936, T duplicated. VCF-style (leftmost placement, unchanged base first): chr4-102600935-G-GT. GRCh37 (hg19) VCF-style: chr4-103522092-G-GT.
Other names: c.1676dup, p.Arg560fs (NM_001165412.2, NM_001319226.2, NM_001382627.1); c.1679dup, p.Arg561fs (NM_001382625.1, NM_001382626.1); c.1637dup, p.Arg547fs (NM_001382628.1); short protein forms R560fs, R547fs, R561fs.
Identifiers: ClinVar variation 2813405 (VCV002813405.3), dbSNP rs2476517777, ClinGen allele CA2739270196.